The following is an entry in ClinVar:

NM_020166.5(MCCC1):c.1153A>G (p.Arg385Gly)

Gene: MCCC1 (methylcrotonyl-CoA carboxylase subunit 1; minus strand). Cytogenetic location: 3q27.1.
Variant type: single nucleotide variant.
Coding change: c.1153A>G on transcript NM_020166.5 (MANE Select); coding-DNA position 1153, A replaced by G.
Protein change: p.Arg385Gly; replaces arginine 385 with glycine.
Molecular consequence: missense variant. On other transcripts: non-coding transcript variant (2).
Genome position (GRCh38, 1-based): chr3:183,041,681, T>C on the plus strand (A>G on the coding strand, the complement: MCCC1 is on the minus strand). VCF-style: chr3-183041681-T-C. GRCh37 (hg19) VCF-style: chr3-182759469-T-C.
Other names: c.802A>G, p.Arg268Gly (NM_001293273.2); c.826A>G, p.Arg276Gly (NM_001363880.1); short protein forms R385G, R276G, R268G.
Identifiers: ClinVar variation 542952 (VCV000542952.8), dbSNP rs1553854969, ClinGen allele CA355323050.
Genomic context (GRCh38, chr3:183,041,681, plus strand): 5'-GGTGCACTAATGGGCCTGCCACAGGCATGAAGTTATTGCTAGGATCTTCTGCATATATTC[T>C]AGCTTCGAAGGCATGGCCCTGCAGAGTTATTTCTTCCTGGCTCAAAGGAATCTTCTCTCC-3'
Protein context (NP_064551.3, residues 375-395): ITLQGHAFEA[Arg385Gly]IYAEDPSNNF

ClinVar aggregate classification (germline): Likely pathogenic (1 of 4 stars; one submission).

Conditions:
3-methylcrotonyl-CoA carboxylase 1 deficiency (MCC1D). Also called: MCCD TYPE 1; METHYLCROTONYLGLYCINURIA TYPE I; MCC 1 deficiency; 3 Alpha methylcrotonylglycinuria 1. Identifiers: Orphanet 6, MedGen CN028786, MONDO:0008861, OMIM 210200.

Allele frequency attached by ClinVar (database versions not stated): gnomAD exomes below 0.00001.

Submission:

Labcorp Genetics (formerly Invitae), Labcorp
Classification: Likely pathogenic for 3-methylcrotonyl-CoA carboxylase 1 deficiency. Last evaluated: 2023-06-25. Review status: criteria provided, single submitter. Criteria: Invitae Variant Classification Sherloc (09022015). Collection method: clinical testing. Allele origin: germline.
Comment: This sequence change replaces arginine, which is basic and polar, with glycine, which is neutral and non-polar, at codon 385 of the MCCC1 protein (p.Arg385Gly). In summary, the currently available evidence indicates that the variant is pathogenic, but additional data are needed to prove that conclusively. Therefore, this variant has been classified as Likely Pathogenic. This variant disrupts the p.Arg385 amino acid residue in MCCC1. Other variant(s) that disrupt this residue have been determined to be pathogenic (PMID: 11170888, 14680978, 15868465, 22642865). This suggests that this residue is clinically significant, and that variants that disrupt this residue are likely to be disease-causing. Advanced modeling of protein sequence and biophysical properties (such as structural, functional, and spatial information, amino acid conservation, physicochemical variation, residue mobility, and thermodynamic stability) performed at Invitae indicates that this missense variant is expected to disrupt MCCC1 protein function. ClinVar contains an entry for this variant (Variation ID: 542952). This variant has not been reported in the literature in individuals affected with MCCC1-related conditions. This variant is not present in population databases (gnomAD no frequency).

Literature cited by the submitters: PubMed 11170888; PubMed 14680978; PubMed 15868465; PubMed 22642865.